The following is an entry in ClinVar:

ClinVar aggregate classification (germline): Likely benign (0 of 4 stars; one submission).

Conditions:
DNAH17-related disorder. Also called: DNAH17-related condition.

Allele frequency attached by ClinVar (database versions not stated): gnomAD exomes 0.00006; ExAC 0.00013; 1000 Genomes Project 30x 0.00031; 1000 Genomes Project 0.00040; gnomAD 0.00040; TOPMed 0.00054; ESP Exome Variant Server 0.00062.
gnomAD v4.1: 160 of 1,613,942 alleles (0.0099%); highest among the groups gnomAD compares: African/African-American, 0.19%; no homozygotes.

Submission:

PreventionGenetics, part of Exact Sciences
Classification: Likely benign for DNAH17-related condition. Last evaluated: 2019-11-26. Review status: no assertion criteria provided. Collection method: clinical testing. Allele origin: germline.
Comment: This variant is classified as likely benign based on ACMG/AMP sequence variant interpretation guidelines (Richards et al. 2015 PMID: 25741868, with internal and published modifications).

NM_173628.4(DNAH17):c.8967C>T (p.Phe2989=)

Gene: DNAH17 (dynein axonemal heavy chain 17; minus strand). Cytogenetic location: 17q25.3.
Variant type: single nucleotide variant.
Coding change: c.8967C>T on transcript NM_173628.4 (MANE Select); coding-DNA position 8967, C replaced by T.
Protein change: p.Phe2989=; no amino-acid change (phenylalanine 2989 retained).
Molecular consequence: synonymous variant.
Genome position (GRCh38, 1-based): chr17:78,463,051, G>A on the plus strand (C>T on the coding strand, the complement: DNAH17 is on the minus strand). VCF-style: chr17-78463051-G-A. GRCh37 (hg19) VCF-style: chr17-76459133-G-A.
Identifiers: ClinVar variation 3048597 (VCV003048597.2), dbSNP rs190526392, ClinGen allele CA8801554.
Genomic context (GRCh38, chr17:78,463,051, plus strand): 5'-CTCAGTAGCCAGGTATACCCTGGACATCTCGTTGACGGTGGTGTGCACGTAGGACATGAA[G>A]AAGCTGATGGAGGCCTTGACTTCCCACTACAAAGATGAGACAGCCAGTCATCCCTGGGAC-3'
Protein context (NP_775899.3, residues 2979-2999): IPWEVKASIS[Phe2989=]FMSYVHTTVN